The following is an entry in ClinVar:

NM_024422.6(DSC2):c.2176A>G (p.Lys726Glu)

Gene: DSC2 (desmocollin 2; minus strand). Cytogenetic location: 18q12.1.
Variant type: single nucleotide variant.
Coding change: c.2176A>G on transcript NM_024422.6 (MANE Select); coding-DNA position 2176, A replaced by G.
Protein change: p.Lys726Glu; replaces lysine 726 with glutamic acid.
Molecular consequence: missense variant.
Genome position (GRCh38, 1-based): chr18:31,070,800, T>C on the plus strand (A>G on the coding strand, the complement: DSC2 is on the minus strand). VCF-style: chr18-31070800-T-C. GRCh37 (hg19) VCF-style: chr18-28650766-T-C.
Other names: c.1747A>G, p.Lys583Glu (NM_001406506.1, NM_001406507.1); c.2176A>G, p.Lys726Glu (NM_004949.5); short protein forms K583E, K726E.
Identifiers: ClinVar variation 3386514 (VCV003386514.1).
Genomic context (GRCh38, chr18:31,070,800, plus strand): 5'-CAGGAGCTTCTGTGTTTGATACAATTAGGTTCTGCTGGGCTAAATCATCAGGAATTACTT[T>C]TGGTTGTTTAGACGTCCCAGAAGCCCCACAGACCAGCGTAAACAGGATGCCTGGAGGAAG-3'
Protein context (NP_077740.1, residues 716-736): CGASGTSKQP[Lys726Glu]VIPDDLAQQN

ClinVar aggregate classification (germline): Uncertain significance (1 of 4 stars; one submission).

Conditions:
Familial isolated arrhythmogenic right ventricular dysplasia. Identifiers: Orphanet 217656, MedGen C4274968, MONDO:0016342.

Submission:

All of Us Research Program, National Institutes of Health
Classification: Uncertain significance for Familial isolated arrhythmogenic right ventricular dysplasia. Last evaluated: 2024-07-20. Review status: criteria provided, single submitter. Criteria: ACMG Guidelines, 2015. Collection method: clinical testing. Allele origin: germline. Inheritance: Autosomal dominant inheritance. Observed: 1 variant allele, 1 heterozygote.
Comment: This missense variant replaces lysine with glutamic acid at codon 726 of the DSC2 protein. Computational prediction suggests that this variant may not impact protein structure and function (internally defined REVEL score threshold <= 0.5, PMID: 27666373). To our knowledge, functional studies have not been reported for this variant. This variant has not been reported in individuals affected with DSC2-related disorders in the literature. This variant has not been identified in the general population by the Genome Aggregation Database (gnomAD). The available evidence is insufficient to determine the role of this variant in disease conclusively. Therefore, this variant is classified as a Variant of Uncertain Significance.

This study involves interpretation of variants in research participants for the purpose of population health screening. Participant phenotype was not available at the time of variant classification. Additional details can be found in publication PMID: 35346344, PMCID: PMC8962531